The following is an entry in ClinVar:

NM_002471.4(MYH6):c.4169A>G (p.Glu1390Gly)

Gene: MYH6 (myosin heavy chain 6; minus strand). Cytogenetic location: 14q11.2.
Variant type: single nucleotide variant.
Coding change: c.4169A>G on transcript NM_002471.4 (MANE Select); coding-DNA position 4169, A replaced by G.
Protein change: p.Glu1390Gly; replaces glutamic acid 1390 with glycine.
Molecular consequence: missense variant.
Genome position (GRCh38, 1-based): chr14:23,388,865, T>C on the plus strand (A>G on the coding strand, the complement: MYH6 is on the minus strand). VCF-style: chr14-23388865-T-C. GRCh37 (hg19) VCF-style: chr14-23858074-T-C.
Other names: short protein forms E1390G.
Identifiers: ClinVar variation 1738390 (VCV001738390.2), dbSNP rs370600272, ClinGen allele CA389001263.
Genomic context (GRCh38, chr14:23,388,865, plus strand): 5'-TCCTCTCGCCCCTTCCTCTCTGAGAGTCAGGTTAAGGGGGTATCTGGAGCTCACTTGGCC[T>C]CTTCGAGCTCCTCAGTCCGCTGAATGGCGTCCGTCTCATACTTGGTCCTCCACTGGGCCA-3'
Protein context (NP_002462.2, residues 1380-1400): DAIQRTEELE[Glu1390Gly]AKKKLAQRLQ

ClinVar aggregate classification (germline): Uncertain significance (1 of 4 stars; one submission).

Conditions:
Cardiovascular phenotype. Identifiers: MedGen CN230736.

gnomAD v4.1: 1 of 1,613,708 alleles (0.000062%); highest among the groups gnomAD compares: African/African-American, 0.0013%; no homozygotes.

Submission:

Ambry Genetics
Classification: Uncertain significance for Cardiovascular phenotype. Last evaluated: 2020-07-09. Review status: criteria provided, single submitter. Criteria: Ambry Variant Classification Scheme 2023. Collection method: clinical testing. Allele origin: germline.
Comment: The p.E1390G variant (also known as c.4169A>G), located in coding exon 27 of the MYH6 gene, results from an A to G substitution at nucleotide position 4169. The glutamic acid at codon 1390 is replaced by glycine, an amino acid with similar properties. This amino acid position is well conserved in available vertebrate species. In addition, the in silico prediction for this alteration is inconclusive. Since supporting evidence is limited at this time, the clinical significance of this alteration remains unclear.